The following is an entry in ClinVar:

ClinVar aggregate classification (germline): Benign/Likely benign. Review status: criteria provided, multiple submitters, no conflicts (2 of 4 stars). 8 submissions from 8 submitters: Benign (3); Likely benign (2). 3 of the submissions do not count toward it. Last evaluated 2026-05-01.

Conditions:
46,XY sex reversal 9 (SRXY9). Also called: 46,XY SEX REVERSAL, ZFPM2-RELATED. Identifiers: Orphanet 251510, MedGen C4015129, MONDO:0014480, OMIM 616067.

Allele frequency attached by ClinVar (database versions not stated): gnomAD 0.00327 and 0.00328; gnomAD exomes 0.00432 and 0.00266; 1000 Genomes Project 30x 0.00109; 1000 Genomes Project 0.00120; ExAC 0.00246; TOPMed 0.00305; ESP Exome Variant Server 0.00324.
gnomAD v4.1: 6,720 of 1,613,702 alleles (0.42%); highest among the groups gnomAD compares: Non-Finnish European, 0.51%; 18 homozygotes.

Submissions (8):

CeGaT Center for Human Genetics Tuebingen
Classification: Likely benign. Last evaluated: 2026-05-01. Review status: criteria provided, single submitter. Criteria: CeGaT Center For Human Genetics Tuebingen Variant Classification Criteria Version 2. Collection method: clinical testing. Allele origin: germline. Affected: yes. Observed: 3 variant alleles.
Comment: ZFPM2: BP4, BS2

Labcorp Genetics (formerly Invitae), Labcorp
Classification: Benign for 46,XY sex reversal 9. Last evaluated: 2026-01-15. Review status: criteria provided, single submitter. Criteria: Invitae Variant Classification Sherloc (09022015). Collection method: clinical testing. Allele origin: germline.

Blueprint Genetics
Classification: Likely benign. Last evaluated: 2024-11-21. Review status: criteria provided, single submitter. Criteria: ACMG Guidelines, 2015. Collection method: clinical testing. Allele origin: germline.

Genetic Services Laboratory, University of Chicago
Classification: Benign. Last evaluated: 2017-08-08. Review status: criteria provided, single submitter. Criteria: ACMG Guidelines, 2015. Collection method: clinical testing. Allele origin: germline. Affected: no.

Breakthrough Genomics
Classification: Benign. Review status: criteria provided, single submitter. Criteria: ACMG Guidelines, 2015. Collection method: not provided. Allele origin: germline. Inheritance: Autosomal dominant inheritance. Affected: yes.

Genome Diagnostics Laboratory, University Medical Center Utrecht
Classification: Benign. Review status: no assertion criteria provided. Collection method: clinical testing. Allele origin: germline. Affected: yes. Study: VKGL Data-share Consensus. Not counted in ClinVar's aggregate classification.

Joint Genome Diagnostic Labs from Nijmegen and Maastricht, Radboudumc and MUMC+
Classification: Likely benign. Review status: no assertion criteria provided. Collection method: clinical testing. Allele origin: germline. Affected: yes. Study: VKGL Data-share Consensus. Not counted in ClinVar's aggregate classification.

Laboratory of Diagnostic Genome Analysis, Leiden University Medical Center (LUMC)
Classification: Likely benign. Review status: no assertion criteria provided. Collection method: clinical testing. Allele origin: germline. Affected: yes. Study: VKGL Data-share Consensus. Not counted in ClinVar's aggregate classification.

NM_012082.4(ZFPM2):c.2287G>A (p.Val763Ile)

Genes: ZFPM2 (zinc finger protein, FOG family member 2; plus strand), ZFPM2-AS1 (ZFPM2 antisense RNA 1; minus strand), LOC126860469 (BRD4-independent group 4 enhancer GRCh37_chr8:106814445-106815644; plus strand). Cytogenetic location: 8q23.1.
Variant type: single nucleotide variant.
Coding change: c.2287G>A on transcript NM_012082.4 (MANE Select); coding-DNA position 2287, G replaced by A.
Protein change: p.Val763Ile; replaces valine 763 with isoleucine.
Molecular consequence: missense variant.
Genome position (GRCh38, 1-based): chr8:105,802,369, G>A. VCF-style: chr8-105802369-G-A. GRCh37 (hg19) VCF-style: chr8-106814597-G-A.
Other names: c.2128G>A, p.Val710Ile (NM_001362836.2); c.1891G>A, p.Val631Ile (NM_001362837.2); short protein forms V763I, V710I, V631I.
Identifiers: ClinVar variation 414003 (VCV000414003.45), dbSNP rs117908591, ClinGen allele CA4839885.